The following is an entry in ClinVar:

ClinVar aggregate classification (germline): Pathogenic (1 of 4 stars; one submission).

Conditions:
Norman-Roberts syndrome (LIS2). Also called: Lissencephaly 2 (Norman-Roberts type). Identifiers: Orphanet 89844, MedGen C0796089, MONDO:0009760, OMIM 257320.
Familial temporal lobe epilepsy 7. Identifiers: Orphanet 101046, MedGen C4225327, MONDO:0014639, OMIM 616436.

Allele frequency attached by ClinVar (database versions not stated): gnomAD exomes below 0.00001; ExAC 0.00001; ESP Exome Variant Server 0.00008.
gnomAD v4.1: 7 of 1,613,246 alleles (0.00043%); highest among the groups gnomAD compares: South Asian, 0.0011%; no homozygotes.

Submission:

Labcorp Genetics (formerly Invitae), Labcorp
Classification: Pathogenic for Familial temporal lobe epilepsy 7; Norman-Roberts syndrome. Last evaluated: 2023-08-30. Review status: criteria provided, single submitter. Criteria: Invitae Variant Classification Sherloc (09022015). Collection method: clinical testing. Allele origin: germline.
Comment: This variant has not been reported in the literature in individuals affected with RELN-related conditions. This sequence change creates a premature translational stop signal (p.Arg1775*) in the RELN gene. It is expected to result in an absent or disrupted protein product. Loss-of-function variants in RELN are known to be pathogenic (PMID: 10973257, 26046367, 28454995). This variant is not present in population databases (gnomAD no frequency). For these reasons, this variant has been classified as Pathogenic.

Literature cited by the submitters: PubMed 10973257; PubMed 26046367; PubMed 28454995.

NM_005045.4(RELN):c.5323C>T (p.Arg1775Ter)

Gene: RELN (reelin; minus strand). Cytogenetic location: 7q22.1.
Variant type: single nucleotide variant.
Coding change: c.5323C>T on transcript NM_005045.4 (MANE Select); coding-DNA position 5323, C replaced by T.
Protein change: p.Arg1775Ter; replaces arginine 1775 with a stop codon.
Molecular consequence: nonsense.
Genome position (GRCh38, 1-based): chr7:103,561,841, G>A on the plus strand (C>T on the coding strand, the complement: RELN is on the minus strand). VCF-style: chr7-103561841-G-A. GRCh37 (hg19) VCF-style: chr7-103202288-G-A.
Other names: c.5323C>T, p.Arg1775Ter (NM_173054.3); short protein forms R1775*.
Identifiers: ClinVar variation 2922659 (VCV002922659.3), dbSNP rs368992119, ClinGen allele CA4421252.